The following is an entry in ClinVar:

ClinVar aggregate classification (germline): Uncertain significance (1 of 4 stars; one submission).

Conditions:
Cardiovascular phenotype. Identifiers: MedGen CN230736.

Submission:

Ambry Genetics
Classification: Uncertain significance for Cardiovascular phenotype. Last evaluated: 2026-06-06. Review status: criteria provided, single submitter. Criteria: Ambry Variant Classification Scheme 2023. Collection method: clinical testing. Allele origin: germline.
Comment: The p.M542K variant (also known as c.1625T>A), located in coding exon 11 of the ABCC9 gene, results from a T to A substitution at nucleotide position 1625. The methionine at codon 542 is replaced by lysine, an amino acid with similar properties. This amino acid position is conserved. In addition, this alteration is predicted to be deleterious by in silico analysis. Based on the available evidence, the clinical significance of this variant remains unclear.

NM_020297.4(ABCC9):c.1625T>A (p.Met542Lys)

Gene: ABCC9 (ATP binding cassette subfamily C member 9; minus strand). Cytogenetic location: 12p12.1.
Variant type: single nucleotide variant.
Coding change: c.1625T>A on transcript NM_020297.4 (MANE Select); coding-DNA position 1625, T replaced by A.
Protein change: p.Met542Lys; replaces methionine 542 with lysine.
Molecular consequence: missense variant.
Genome position (GRCh38, 1-based): chr12:21,895,309, A>T on the plus strand (T>A on the coding strand, the complement: ABCC9 is on the minus strand). VCF-style: chr12-21895309-A-T. GRCh37 (hg19) VCF-style: chr12-22048243-A-T.
Other names: c.1625T>A, p.Met542Lys (NM_001377273.1, NM_005691.4); c.761T>A, p.Met254Lys (NM_001377274.1); short protein forms M254K, M542K.
Identifiers: ClinVar variation 4861501 (VCV004861501.1).